The following is an entry in ClinVar:

NM_001184.4(ATR):c.250G>A (p.Val84Ile)

Gene: ATR (ATR checkpoint kinase; minus strand). Cytogenetic location: 3q23.
Variant type: single nucleotide variant.
Coding change: c.250G>A on transcript NM_001184.4 (MANE Select); coding-DNA position 250, G replaced by A.
Protein change: p.Val84Ile; replaces valine 84 with isoleucine.
Molecular consequence: missense variant.
Genome position (GRCh38, 1-based): chr3:142,566,163, C>T on the plus strand (G>A on the coding strand, the complement: ATR is on the minus strand). VCF-style: chr3-142566163-C-T. GRCh37 (hg19) VCF-style: chr3-142285005-C-T.
Other names: c.250G>A, p.Val84Ile (NM_001354579.2); short protein forms V84I.
Identifiers: ClinVar variation 2587590 (VCV002587590.2), dbSNP rs1239531488, ClinGen allele CA354828407.

ClinVar aggregate classification (germline): Uncertain significance (1 of 4 stars; one submission).

Conditions:
Inborn genetic diseases. Identifiers: MedGen C0950123, MeSH D030342.

Allele frequency attached by ClinVar (database versions not stated): TOPMed 0.00001.

Submission:

Ambry Genetics
Classification: Uncertain significance for Inborn genetic diseases. Last evaluated: 2023-09-07. Review status: criteria provided, single submitter. Criteria: Ambry Variant Classification Scheme 2023. Collection method: clinical testing. Allele origin: germline.
Comment: The p.V84I variant (also known as c.250G>A), located in coding exon 3 of the ATR gene, results from a G to A substitution at nucleotide position 250. The valine at codon 84 is replaced by isoleucine, an amino acid with highly similar properties. This amino acid position is conserved. In addition, this alteration is predicted to be tolerated by in silico analysis. Since supporting evidence is limited at this time, the clinical significance of this alteration remains unclear.